The following is an entry in ClinVar:

ClinVar aggregate classification (germline): Uncertain significance (1 of 4 stars; one submission).

Conditions:
Dilated cardiomyopathy 1W (CMD1W). Identifiers: Orphanet 154, MedGen C1969639, MONDO:0012667, OMIM 611407.

Submission:

Labcorp Genetics (formerly Invitae), Labcorp
Classification: Uncertain significance for Dilated cardiomyopathy 1W. Last evaluated: 2022-07-07. Review status: criteria provided, single submitter. Criteria: Invitae Variant Classification Sherloc (09022015). Collection method: clinical testing. Allele origin: germline.
Comment: In summary, the available evidence is currently insufficient to determine the role of this variant in disease. Therefore, it has been classified as a Variant of Uncertain Significance. Algorithms developed to predict the effect of missense changes on protein structure and function are either unavailable or do not agree on the potential impact of this missense change (SIFT: "Not Available"; PolyPhen-2: "Probably Damaging"; Align-GVGD: "Not Available"). This variant has not been reported in the literature in individuals affected with VCL-related conditions. This variant is not present in population databases (gnomAD no frequency). This sequence change replaces arginine, which is basic and polar, with leucine, which is neutral and non-polar, at codon 538 of the VCL protein (p.Arg538Leu).

NM_014000.3(VCL):c.1613G>T (p.Arg538Leu)

Gene: VCL (vinculin; plus strand). Cytogenetic location: 10q22.2.
Variant type: single nucleotide variant.
Coding change: c.1613G>T on transcript NM_014000.3 (MANE Select); coding-DNA position 1613, G replaced by T.
Protein change: p.Arg538Leu; replaces arginine 538 with leucine.
Molecular consequence: missense variant.
Genome position (GRCh38, 1-based): chr10:74,095,725, G>T. VCF-style: chr10-74095725-G-T. GRCh37 (hg19) VCF-style: chr10-75855483-G-T.
Other names: c.1613G>T, p.Arg538Leu (NM_003373.4); short protein forms R538L.
Identifiers: ClinVar variation 2009110 (VCV002009110.4), dbSNP rs566596830, ClinGen allele CA377274513.